The following is an entry in ClinVar:

ClinVar aggregate classification (germline): Uncertain significance. Review status: criteria provided, multiple submitters, no conflicts (2 of 4 stars). 3 submissions from 3 submitters: Uncertain significance (3). Last evaluated 2024-10-21.

Conditions:
Inborn genetic diseases. Identifiers: MedGen C0950123, MeSH D030342.
Meckel syndrome, type 11 (MKS11). Identifiers: Orphanet 564, MedGen C3809352, MONDO:0014164, OMIM 615397.
Joubert syndrome 20 (JBTS20). Identifiers: Orphanet 475, MedGen C3554235, MONDO:0013994, OMIM 614970.

Allele frequency attached by ClinVar (database versions not stated): gnomAD exomes 0.00001; TOPMed 0.00002.

Submissions (3):

Labcorp Genetics (formerly Invitae), Labcorp
Classification: Uncertain significance for Joubert syndrome 20; Meckel syndrome, type 11. Last evaluated: 2024-10-21. Review status: criteria provided, single submitter. Criteria: Invitae Variant Classification Sherloc (09022015). Collection method: clinical testing. Allele origin: germline.
Comment: This sequence change replaces serine, which is neutral and polar, with leucine, which is neutral and non-polar, at codon 54 of the TMEM231 protein (p.Ser54Leu). The frequency data for this variant in the population databases is considered unreliable, as metrics indicate poor data quality at this position in the gnomAD database. This variant has not been reported in the literature in individuals affected with TMEM231-related conditions. ClinVar contains an entry for this variant (Variation ID: 1446231). Experimental studies and prediction algorithms are not available or were not evaluated, and the functional significance of this variant is currently unknown. In summary, the available evidence is currently insufficient to determine the role of this variant in disease. Therefore, it has been classified as a Variant of Uncertain Significance.

Fulgent Genetics
Classification: Uncertain significance for Joubert syndrome 20; Meckel syndrome, type 11. Last evaluated: 2024-03-28. Review status: criteria provided, single submitter. Criteria: ACMG Guidelines, 2015. Collection method: clinical testing. Allele origin: germline.

Ambry Genetics
Classification: Uncertain significance for Inborn genetic diseases. Last evaluated: 2023-10-02. Review status: criteria provided, single submitter. Criteria: Ambry Variant Classification Scheme 2023. Collection method: clinical testing. Allele origin: germline.

NM_001077418.3(TMEM231):c.99C>T (p.Leu33=)

Gene: TMEM231 (transmembrane protein 231; minus strand). Cytogenetic location: 16q23.1.
Variant type: single nucleotide variant.
Coding change: c.99C>T on transcript NM_001077418.3 (MANE Select); coding-DNA position 99, C replaced by T.
Protein change: p.Leu33=; no amino-acid change (leucine 33 retained).
Molecular consequence: synonymous variant. On other transcripts: missense variant (1), non-coding transcript variant (1).
Genome position (GRCh38, 1-based): chr16:75,556,111, G>A on the plus strand (C>T on the coding strand, the complement: TMEM231 is on the minus strand). VCF-style: chr16-75556111-G-A. GRCh37 (hg19) VCF-style: chr16-75590009-G-A.
Other names: c.89C>T (NM_001077416.1); c.161C>T, p.Ser54Leu (NM_001077416.2); short protein forms S54L.
Identifiers: ClinVar variation 1446231 (VCV001446231.8), dbSNP rs1435643293, ClinGen allele CA396810188.
Genomic context (GRCh38, chr16:75,556,111, plus strand): 5'-AGCGGCCGGGGCAGGCTCACCGTGGCTCCGGAAGGCCACCAGCAGCGGCGGGATGTACGT[G>A]AGCGCAGCGGCCAGCAGCAGGAACAGCGCGGCTTTGGAGCAGAGCCCCGCGCGGTAACTG-3'
Protein context (NP_001070886.1, residues 23-43): AALFLLLAAA[Leu33=]TYIPPLLVAF